The following is an entry in ClinVar:

NM_005045.4(RELN):c.9884G>A (p.Cys3295Tyr)

Genes: SLC26A5-AS1 (SLC26A5 antisense RNA 1; plus strand), RELN (reelin; minus strand). Cytogenetic location: 7q22.1.
Variant type: single nucleotide variant.
Coding change: c.9884G>A on transcript NM_005045.4 (MANE Select); coding-DNA position 9884, G replaced by A.
Protein change: p.Cys3295Tyr; replaces cysteine 3295 with tyrosine.
Molecular consequence: missense variant.
Genome position (GRCh38, 1-based): chr7:103,486,296, C>T on the plus strand (G>A on the coding strand, the complement: RELN is on the minus strand). VCF-style: chr7-103486296-C-T. GRCh37 (hg19) VCF-style: chr7-103126743-C-T.
Other names: c.9884G>A, p.Cys3295Tyr (NM_173054.3); short protein forms C3295Y.
Identifiers: ClinVar variation 3757846 (VCV003757846.2).

ClinVar aggregate classification (germline): Uncertain significance (1 of 4 stars; one submission).

Conditions:
Norman-Roberts syndrome (LIS2). Also called: Lissencephaly 2 (Norman-Roberts type). Identifiers: Orphanet 89844, MedGen C0796089, MONDO:0009760, OMIM 257320.
Familial temporal lobe epilepsy 7. Identifiers: Orphanet 101046, MedGen C4225327, MONDO:0014639, OMIM 616436.

gnomAD v4.1: 3 of 1,614,056 alleles (0.00019%); highest among the groups gnomAD compares: Admixed American, 0.0017%; no homozygotes.

Submission:

Labcorp Genetics (formerly Invitae), Labcorp
Classification: Uncertain significance for Familial temporal lobe epilepsy 7; Norman-Roberts syndrome. Last evaluated: 2024-08-28. Review status: criteria provided, single submitter. Criteria: Invitae Variant Classification Sherloc (09022015). Collection method: clinical testing. Allele origin: germline.
Comment: This sequence change replaces cysteine, which is neutral and slightly polar, with tyrosine, which is neutral and polar, at codon 3295 of the RELN protein (p.Cys3295Tyr). This variant is present in population databases (rs751395254, gnomAD 0.003%). This variant has not been reported in the literature in individuals affected with RELN-related conditions. Invitae Evidence Modeling of protein sequence and biophysical properties (such as structural, functional, and spatial information, amino acid conservation, physicochemical variation, residue mobility, and thermodynamic stability) indicates that this missense variant is not expected to disrupt RELN protein function with a negative predictive value of 80%. In summary, the available evidence is currently insufficient to determine the role of this variant in disease. Therefore, it has been classified as a Variant of Uncertain Significance.